The following is an entry in ClinVar:

NM_032806.6(POMGNT2):c.1277T>G (p.Leu426Arg)

Gene: POMGNT2 (protein O-linked mannose N-acetylglucosaminyltransferase 2 (beta 1,4-); minus strand). Cytogenetic location: 3p22.1.
Variant type: single nucleotide variant.
Coding change: c.1277T>G on transcript NM_032806.6 (MANE Select); coding-DNA position 1277, T replaced by G.
Protein change: p.Leu426Arg; replaces leucine 426 with arginine.
Molecular consequence: missense variant.
Genome position (GRCh38, 1-based): chr3:43,080,155, A>C on the plus strand (T>G on the coding strand, the complement: POMGNT2 is on the minus strand). VCF-style: chr3-43080155-A-C. GRCh37 (hg19) VCF-style: chr3-43121647-A-C.
Other names: short protein forms L426R.
Identifiers: ClinVar variation 2106988 (VCV002106988.4), dbSNP rs1338090907, ClinGen allele CA352301475.

ClinVar aggregate classification (germline): Uncertain significance (1 of 4 stars; one submission).

Conditions:
Muscular dystrophy-dystroglycanopathy (congenital with brain and eye anomalies), type a, 8 (MDDGA8). Also called: WALKER-WARBURG SYNDROME OR MUSCLE-EYE-BRAIN DISEASE, GTDC2-RELATED. Identifiers: Orphanet 899, MedGen C3553813, MONDO:0013904, OMIM 614830.

Submission:

Labcorp Genetics (formerly Invitae), Labcorp
Classification: Uncertain significance for Muscular dystrophy-dystroglycanopathy (congenital with brain and eye anomalies), type a, 8. Last evaluated: 2022-03-04. Review status: criteria provided, single submitter. Criteria: Invitae Variant Classification Sherloc (09022015). Collection method: clinical testing. Allele origin: germline.
Comment: This variant is not present in population databases (gnomAD no frequency). In summary, the available evidence is currently insufficient to determine the role of this variant in disease. Therefore, it has been classified as a Variant of Uncertain Significance. Algorithms developed to predict the effect of missense changes on protein structure and function output the following: SIFT: "Deleterious"; PolyPhen-2: "Benign"; Align-GVGD: "Class C0". The arginine amino acid residue is found in multiple mammalian species, which suggests that this missense change does not adversely affect protein function. This variant has not been reported in the literature in individuals affected with POMGNT2-related conditions. This sequence change replaces leucine, which is neutral and non-polar, with arginine, which is basic and polar, at codon 426 of the POMGNT2 protein (p.Leu426Arg).